The following is an entry in ClinVar:

NM_000059.4(BRCA2):c.9958C>T (p.Pro3320Ser)

Gene: BRCA2 (BRCA2 DNA repair associated; plus strand). Cytogenetic location: 13q13.1.
Variant type: single nucleotide variant.
Coding change: c.9958C>T on transcript NM_000059.4 (MANE Select); coding-DNA position 9958, C replaced by T.
Protein change: p.Pro3320Ser; replaces proline 3320 with serine.
Molecular consequence: missense variant.
Genome position (GRCh38, 1-based): chr13:32,398,471, C>T. VCF-style: chr13-32398471-C-T. GRCh37 (hg19) VCF-style: chr13-32972608-C-T.
Other names: short protein forms P3320S.
Identifiers: ClinVar variation 439024 (VCV000439024.23), dbSNP rs1300220263, ClinGen allele CA387767384.

ClinVar aggregate classification (germline): Uncertain significance. Review status: criteria provided, multiple submitters, no conflicts (2 of 4 stars). 6 submissions from 6 submitters: Uncertain significance (6). Last evaluated 2025-08-06.

Conditions:
Hereditary cancer-predisposing syndrome. Also called: Hereditary neoplastic syndrome; Hereditary Cancer Syndrome; Tumor predisposition; Neoplastic Syndromes, Hereditary. Identifiers: Orphanet 140162, MedGen C0027672, MeSH D009386, MONDO:0015356.
Hereditary breast ovarian cancer syndrome. Also called: Breast and ovarian cancer; Hereditary breast and ovarian cancer; BRCA1- and BRCA2-Associated Hereditary Breast and Ovarian Cancer; Hereditary breast and/or ovarian cancer syndrome; Hereditary breast and ovarian cancer syndrome; Hereditary breast and ovarian cancer syndrome (HBOC). Identifiers: Orphanet 145, MedGen C0677776, MeSH D061325, MONDO:0003582. Disease mechanism: loss of function.
BRCA2-related cancer predisposition. Identifiers: MedGen CN377758, MONDO:0700269.

Allele frequency attached by ClinVar (database versions not stated): TOPMed 0.00001.

Submissions (6):

Labcorp Genetics (formerly Invitae), Labcorp
Classification: Uncertain significance for Hereditary breast ovarian cancer syndrome. Last evaluated: 2025-08-06. Review status: criteria provided, single submitter. Criteria: Invitae Variant Classification Sherloc (09022015). Collection method: clinical testing. Allele origin: germline.
Comment: This sequence change replaces proline, which is neutral and non-polar, with serine, which is neutral and polar, at codon 3320 of the BRCA2 protein (p.Pro3320Ser). This variant is not present in population databases (gnomAD no frequency). This variant has not been reported in the literature in individuals affected with BRCA2-related conditions. ClinVar contains an entry for this variant (Variation ID: 439024). Invitae Evidence Modeling of protein sequence and biophysical properties (such as structural, functional, and spatial information, amino acid conservation, physicochemical variation, residue mobility, and thermodynamic stability) indicates that this missense variant is not expected to disrupt BRCA2 protein function with a negative predictive value of 95%. In summary, the available evidence is currently insufficient to determine the role of this variant in disease. Therefore, it has been classified as a Variant of Uncertain Significance.

Women's Health and Genetics/Laboratory Corporation of America, LabCorp
Classification: Uncertain significance. Last evaluated: 2024-03-05. Review status: criteria provided, single submitter. Criteria: LabCorp Variant Classification Summary - May 2015. Collection method: clinical testing. Allele origin: germline.
Comment: Variant summary: BRCA2 c.9958C>T (p.Pro3320Ser) results in a non-conservative amino acid change in the encoded protein sequence. Four of five in-silico tools predict a benign effect of the variant on protein function. The variant was absent in 251146 control chromosomes (gnomAD). The available data on variant occurrences in the general population are insufficient to allow any conclusion about variant significance. To our knowledge, no occurrence of c.9958C>T in individuals affected with Hereditary Breast And Ovarian Cancer Syndrome and no experimental evidence demonstrating its impact on protein function have been reported. ClinVar contains an entry for this variant (Variation ID: 439024). Based on the evidence outlined above, the variant was classified as uncertain significance.

All of Us Research Program, National Institutes of Health
Classification: Uncertain significance for BRCA2-related cancer predisposition. Last evaluated: 2024-02-22. Review status: criteria provided, single submitter. Criteria: ACMG Guidelines, 2015. Collection method: clinical testing. Allele origin: germline. Inheritance: Autosomal dominant inheritance. Observed: 1 variant allele, 1 heterozygote.
Comment: This missense variant replaces proline with serine at codon 3320 of the BRCA2 protein. Computational prediction suggests that this variant may not impact protein structure and function. To our knowledge, functional studies have not been reported for this variant. This variant has not been reported in individuals affected with BRCA2-related disorders in the literature. This variant has not been identified in the general population by the Genome Aggregation Database (gnomAD). The available evidence is insufficient to determine the role of this variant in disease conclusively. Therefore, this variant is classified as a Variant of Uncertain Significance.

This study involves interpretation of variants in research participants for the purpose of population health screening. Participant phenotype was not available at the time of variant classification. Additional details can be found in publication PMID: 35346344, PMCID: PMC8962531

Color Diagnostics, LLC DBA Color Health
Classification: Uncertain significance for Hereditary cancer-predisposing syndrome. Last evaluated: 2024-02-01. Review status: criteria provided, single submitter. Criteria: ACMG Guidelines, 2015. Collection method: clinical testing. Allele origin: germline.
Comment: This missense variant replaces proline with serine at codon 3320 of the BRCA2 protein. Computational prediction suggests that this variant may not impact protein structure and function. To our knowledge, functional studies have not been reported for this variant. This variant has not been reported in individuals affected with BRCA2-related disorders in the literature. This variant has not been identified in the general population by the Genome Aggregation Database (gnomAD). The available evidence is insufficient to determine the role of this variant in disease conclusively. Therefore, this variant is classified as a Variant of Uncertain Significance.

Ambry Genetics
Classification: Uncertain significance for Hereditary cancer-predisposing syndrome. Last evaluated: 2024-01-31. Review status: criteria provided, single submitter. Criteria: Ambry Variant Classification Scheme 2023. Collection method: clinical testing. Allele origin: germline.
Comment: The p.P3320S variant (also known as c.9958C>T), located in coding exon 26 of the BRCA2 gene, results from a C to T substitution at nucleotide position 9958. The proline at codon 3320 is replaced by serine, an amino acid with similar properties. This amino acid position is not well conserved in available vertebrate species. In addition, this alteration is predicted to be tolerated by in silico analysis. Since supporting evidence is limited at this time, the clinical significance of this alteration remains unclear.

Quest Diagnostics Nichols Institute San Juan Capistrano
Classification: Uncertain significance. Last evaluated: 2017-03-10. Review status: criteria provided, single submitter. Criteria: Quest Diagnostics criteria. Collection method: clinical testing. Allele origin: germline.